The following is an entry in ClinVar:

NM_000359.3(TGM1):c.1409del (p.Phe470fs)

Gene: TGM1 (transglutaminase 1; minus strand). Cytogenetic location: 14q12.
Variant type: Deletion.
Coding change: c.1409del on transcript NM_000359.3 (MANE Select); coding-DNA position 1409, one base deleted (T; older notation c.1409delT).
Protein change: p.Phe470fs; shifts the reading frame from phenylalanine 470.
Molecular consequence: frameshift variant.
Genome position (GRCh38, 1-based): chr14:24,256,071, A deleted on the plus strand (T on the coding strand, the reverse complement: TGM1 is on the minus strand); the first of 2 consecutive A bases (chr14:24,256,071-24,256,072); deleting either gives the same sequence. VCF-style (leftmost placement, unchanged base first): chr14-24256070-GA-G. GRCh37 (hg19) VCF-style: chr14-24725276-GA-G.
Other names: c.1409delT (NM_000359.2); short protein forms F470fs.
Identifiers: ClinVar variation 664642 (VCV000664642.7), dbSNP rs1479881544, ClinGen allele CA612959138.
Genomic context (GRCh38, chr14:24,256,070, plus strand): 5'-GTCGTACTTCATGTAGACCAGGCCATTCTTGATGGACTCCACAGAGCAGGGGCCGCAGCA[GA>G]AGATGCCTAGAGAGTGAGGCGGGACAGAGGCAAGAGATCTGAGAAGGCGGAGAGGGCTCT-3'

ClinVar aggregate classification (germline): Pathogenic. Review status: criteria provided, multiple submitters, no conflicts (2 of 4 stars). 2 submissions from 2 submitters: Pathogenic (2). Last evaluated 2023-08-14.

Conditions:
Autosomal recessive congenital ichthyosis 1 (LI1). Also called: COLLODION FETUS; DESQUAMATION OF NEWBORN; ICHTHYOSIS CONGENITA; ICHTHYOSIS CONGENITA II; LAMELLAR EXFOLIATION OF NEWBORN; ICHTHYOSIS, CONGENITAL, AUTOSOMAL RECESSIVE 1, WITH BATHING SUIT DISTRIBUTION. Identifiers: MedGen C4551630, MONDO:0009441, OMIM 242300.

Submissions (2):

Myriad Genetics, Inc.
Classification: Pathogenic for Autosomal recessive congenital ichthyosis 1. Last evaluated: 2023-08-14. Review status: criteria provided, single submitter. Criteria: Myriad Autosomal Dominant, Autosomal Recessive and X-Linked Classification Criteria (2023). Collection method: clinical testing. Allele origin: unknown.
Comment: NM_000359.2(TGM1):c.1409delT(F470Sfs*18) is expected to be pathogenic in the context of TGM1-related autosomal recessive congenital ichthyosis. This variant is predicted to lead to an abnormal or absent protein product due to the creation of a premature termination codon in TGM1, a gene where loss-of-function variants are known to be pathogenic. Please note: this variant was assessed in the context of healthy population screening.

Labcorp Genetics (formerly Invitae), Labcorp
Classification: Pathogenic. Last evaluated: 2022-11-24. Review status: criteria provided, single submitter. Criteria: Invitae Variant Classification Sherloc (09022015). Collection method: clinical testing. Allele origin: germline.
Comment: For these reasons, this variant has been classified as Pathogenic. ClinVar contains an entry for this variant (Variation ID: 664642). This variant has not been reported in the literature in individuals affected with TGM1-related conditions. This variant is present in population databases (no rsID available, gnomAD 0.001%). This sequence change creates a premature translational stop signal (p.Phe470Serfs*18) in the TGM1 gene. It is expected to result in an absent or disrupted protein product. Loss-of-function variants in TGM1 are known to be pathogenic (PMID: 18948357, 19241467).

Literature cited by the submitters: PubMed 18948357 (cited by Labcorp Genetics (formerly Invitae), Labcorp); PubMed 19241467 (cited by Labcorp Genetics (formerly Invitae), Labcorp).